The following is an entry in ClinVar:

ClinVar aggregate classification (germline): Likely benign. Review status: criteria provided, single submitter (1 of 4 stars). 2 submissions from 2 submitters: Likely benign (1). 1 of the submissions does not count toward it. Last evaluated 2024-03-17.

Conditions:
TPO-related disorder. Also called: TPO-related condition.

Allele frequency attached by ClinVar (database versions not stated): gnomAD exomes 0.00002; ExAC 0.00007; gnomAD 0.00017; TOPMed 0.00023; ESP Exome Variant Server 0.00038.
gnomAD v4.1: 53 of 1,613,558 alleles (0.0033%); highest among the groups gnomAD compares: African/African-American, 0.064%; no homozygotes.

Submissions (2):

Labcorp Genetics (formerly Invitae), Labcorp
Classification: Likely benign. Last evaluated: 2024-03-17. Review status: criteria provided, single submitter. Criteria: Invitae Variant Classification Sherloc (09022015). Collection method: clinical testing. Allele origin: germline.

PreventionGenetics, part of Exact Sciences
Classification: Likely benign for TPO-related condition. Last evaluated: 2019-08-09. Review status: no assertion criteria provided. Collection method: clinical testing. Allele origin: germline. Not counted in ClinVar's aggregate classification.
Comment: This variant is classified as likely benign based on ACMG/AMP sequence variant interpretation guidelines (Richards et al. 2015 PMID: 25741868, with internal and published modifications).

NM_001206744.2(TPO):c.342T>C (p.His114=)

Gene: TPO (thyroid peroxidase; plus strand). Cytogenetic location: 2p25.3.
Variant type: single nucleotide variant.
Coding change: c.342T>C on transcript NM_001206744.2 (MANE Select); coding-DNA position 342, T replaced by C.
Protein change: p.His114=; no amino-acid change (histidine 114 retained).
Molecular consequence: synonymous variant.
Genome position (GRCh38, 1-based): chr2:1,433,600, T>C. VCF-style: chr2-1433600-T-C. GRCh37 (hg19) VCF-style: chr2-1437372-T-C.
Other names: c.342T>C (NM_000547.5); c.342T>C, p.His114= (NM_000547.6, NM_001206745.2, NM_175719.4 and 2 more transcripts).
Identifiers: ClinVar variation 2891939 (VCV002891939.5), dbSNP rs150078365, ClinGen allele CA1511378.